The following is an entry in ClinVar:

ClinVar aggregate classification (germline): Pathogenic (1 of 4 stars; one submission).

Conditions:
Bethlem myopathy 2 (BTHLM2). Identifiers: Orphanet 536516, Orphanet 610, MedGen C4225313, MONDO:0034022, OMIM 616471.
Ullrich congenital muscular dystrophy 2 (UCMD2). Identifiers: Orphanet 75840, MedGen C4225314, MONDO:0014654, OMIM 616470.

Submission:

Labcorp Genetics (formerly Invitae), Labcorp
Classification: Pathogenic for Bethlem myopathy 2; Ullrich congenital muscular dystrophy 2. Last evaluated: 2025-12-03. Review status: criteria provided, single submitter. Criteria: Invitae Variant Classification Sherloc (09022015). Collection method: clinical testing. Allele origin: germline.
Comment: This sequence change creates a premature translational stop signal (p.Val1612Trpfs*35) in the COL12A1 gene. It is expected to result in an absent or disrupted protein product. Loss-of-function variants in COL12A1 are known to be pathogenic (PMID: 24334604, 28973083). This variant is not present in population databases (gnomAD no frequency). This variant has not been reported in the literature in individuals affected with COL12A1-related conditions. For these reasons, this variant has been classified as Pathogenic.

Literature cited by the submitters: PubMed 24334604; PubMed 28973083.

NM_004370.6(COL12A1):c.4834del (p.Val1612fs)

Gene: COL12A1 (collagen type XII alpha 1 chain; minus strand). Cytogenetic location: 6q13.
Variant type: Deletion.
Coding change: c.4834del on transcript NM_004370.6 (MANE Select); coding-DNA position 4834, one base deleted (G; older notation c.4834delG).
Protein change: p.Val1612fs; shifts the reading frame from valine 1612.
Molecular consequence: frameshift variant.
Genome position (GRCh38, 1-based): chr6:75,142,155, C deleted on the plus strand (G on the coding strand, the reverse complement: COL12A1 is on the minus strand); the first of 2 consecutive C bases (chr6:75,142,155-75,142,156); deleting either gives the same sequence. VCF-style (leftmost placement, unchanged base first): chr6-75142154-AC-A. GRCh37 (hg19) VCF-style: chr6-75851870-AC-A.
Other names: c.4834del, p.Val1612fs (NM_001424113.1, NM_001424114.1); c.4561del, p.Val1521fs (NM_001424115.1); c.1342del, p.Val448fs (NM_001424116.1, NM_080645.3); short protein forms V1521fs, V448fs, V1612fs.
Identifiers: ClinVar variation 4791297 (VCV004791297.1).